The following is an entry in ClinVar:

NM_030943.4(AMN):c.170C>G (p.Ser57Ter)

Gene: AMN (amnion associated transmembrane protein; plus strand). Cytogenetic location: 14q32.32.
Variant type: single nucleotide variant.
Coding change: c.170C>G on transcript NM_030943.4 (MANE Select); coding-DNA position 170, C replaced by G.
Protein change: p.Ser57Ter; replaces serine 57 with a stop codon.
Molecular consequence: nonsense.
Genome position (GRCh38, 1-based): chr14:102,923,942, C>G. VCF-style: chr14-102923942-C-G. GRCh37 (hg19) VCF-style: chr14-103390279-C-G.
Other names: c.8C>G, p.Ser3Ter (NM_001425246.1); short protein forms S57*, S3*.
Identifiers: ClinVar variation 2701902 (VCV002701902.3), dbSNP rs2542685848, ClinGen allele CA391079575.

ClinVar aggregate classification (germline): Pathogenic (1 of 4 stars; one submission).

Conditions:
Imerslund-Grasbeck syndrome. Also called: Megaloblastic anemia due to inborn errors of metabolism; ENTEROCYTE COBALAMIN MALABSORPTION; ENTEROCYTE INTRINSIC FACTOR RECEPTOR, DEFECT OF; Imerslund-Gräsbeck syndrome; PERNICIOUS ANEMIA, JUVENILE, DUE TO SELECTIVE INTESTINAL MALABSORPTION OF VITAMIN B12, WITH PROTEINURIA. Identifiers: Orphanet 35858, MedGen C4551825, MONDO:0009853.

Submission:

Labcorp Genetics (formerly Invitae), Labcorp
Classification: Pathogenic for Imerslund-Grasbeck syndrome. Last evaluated: 2023-12-09. Review status: criteria provided, single submitter. Criteria: Invitae Variant Classification Sherloc (09022015). Collection method: clinical testing. Allele origin: germline.
Comment: This sequence change creates a premature translational stop signal (p.Ser57*) in the AMN gene. It is expected to result in an absent or disrupted protein product. Loss-of-function variants in AMN are known to be pathogenic (PMID: 12590260, 22929189). This variant is not present in population databases (gnomAD no frequency). This variant has not been reported in the literature in individuals affected with AMN-related conditions. For these reasons, this variant has been classified as Pathogenic.

Literature cited by the submitters: PubMed 12590260; PubMed 22929189.